The following is an entry in ClinVar:

NM_000489.6(ATRX):c.3063G>A (p.Glu1021=)

Gene: ATRX (ATRX chromatin remodeler; minus strand). Cytogenetic location: Xq21.1.
Variant type: single nucleotide variant.
Coding change: c.3063G>A on transcript NM_000489.6 (MANE Select); coding-DNA position 3063, G replaced by A.
Protein change: p.Glu1021=; no amino-acid change (glutamic acid 1021 retained).
Molecular consequence: synonymous variant.
Genome position (GRCh38, 1-based): chrX:77,682,193, C>T on the plus strand (G>A on the coding strand, the complement: ATRX is on the minus strand). VCF-style: chrX-77682193-C-T. GRCh37 (hg19) VCF-style: chrX-76937685-C-T.
Other names: c.2949G>A, p.Glu983= (NM_138270.5).
Identifiers: ClinVar variation 1701605 (VCV001701605.36), dbSNP rs2071246611, ClinGen allele CA517471899.

ClinVar aggregate classification (germline): Likely benign. Review status: criteria provided, multiple submitters, no conflicts (2 of 4 stars). 2 submissions from 2 submitters: Likely benign (2). Last evaluated 2022-07-01.

Conditions:
Alpha thalassemia-X-linked intellectual disability syndrome (ATRX). Also called: ALPHA-THALASSEMIA/MENTAL RETARDATION SYNDROME, X-LINKED; ATR, NONDELETION TYPE; X-linked alpha-thalassemia-mental retardation syndrome; ATR-X syndrome; Alpha thalassemia mental retardation syndrome, nondeletion type, X-linked; XLMR hypotonic face syndrome. Identifiers: Orphanet 847, MedGen C1845055, MONDO:0010519, OMIM 301040.

Allele frequency attached by ClinVar (database versions not stated): TOPMed 0.00001; gnomAD exomes below 0.00001.
gnomAD v4.1: 5 of 1,211,059 alleles (0.00041%); highest among the groups gnomAD compares: Non-Finnish European, 0.00045%; no homozygotes.

Submissions (2):

CeGaT Center for Human Genetics Tuebingen
Classification: Likely benign. Last evaluated: 2022-07-01. Review status: criteria provided, single submitter. Criteria: CeGaT Center For Human Genetics Tuebingen Variant Classification Criteria Version 2. Collection method: clinical testing. Allele origin: germline. Affected: yes. Observed: 1 variant allele.
Comment: ATRX: PM2:Supporting, BP4, BP7

Labcorp Genetics (formerly Invitae), Labcorp
Classification: Likely benign for Alpha thalassemia-X-linked intellectual disability syndrome. Last evaluated: 2022-04-08. Review status: criteria provided, single submitter. Criteria: Invitae Variant Classification Sherloc (09022015). Collection method: clinical testing. Allele origin: germline.